The following is an entry in ClinVar:

ClinVar aggregate classification (germline): Uncertain significance (1 of 4 stars; one submission).

Conditions:
Cardiovascular phenotype. Identifiers: MedGen CN230736.

Allele frequency attached by ClinVar (database versions not stated): gnomAD exomes below 0.00001; TOPMed below 0.00001.

Submission:

Ambry Genetics
Classification: Uncertain significance for Cardiovascular phenotype. Last evaluated: 2023-03-20. Review status: criteria provided, single submitter. Criteria: Ambry Variant Classification Scheme 2023. Collection method: clinical testing. Allele origin: germline.
Comment: The p.C371Y variant (also known as c.1112G>A), located in coding exon 7 of the SPRED1 gene, results from a G to A substitution at nucleotide position 1112. The cysteine at codon 371 is replaced by tyrosine, an amino acid with highly dissimilar properties. This amino acid position is conserved. In addition, this alteration is predicted to be deleterious by in silico analysis. Since supporting evidence is limited at this time, the clinical significance of this alteration remains unclear.

NM_152594.3(SPRED1):c.1112G>A (p.Cys371Tyr)

Gene: SPRED1 (sprouty related EVH1 domain containing 1; plus strand). Cytogenetic location: 15q14.
Variant type: single nucleotide variant.
Coding change: c.1112G>A on transcript NM_152594.3 (MANE Select); coding-DNA position 1112, G replaced by A.
Protein change: p.Cys371Tyr; replaces cysteine 371 with tyrosine.
Molecular consequence: missense variant.
Genome position (GRCh38, 1-based): chr15:38,351,441, G>A. VCF-style: chr15-38351441-G-A. GRCh37 (hg19) VCF-style: chr15-38643642-G-A.
Other names: short protein forms C371Y.
Identifiers: ClinVar variation 2568298 (VCV002568298.2), dbSNP rs1178736205, ClinGen allele CA391934175.